The following is an entry in ClinVar:

NM_138694.4(PKHD1):c.7393_7404delinsGACA (p.Trp2465fs)

Gene: PKHD1 (PKHD1 ciliary IPT domain containing fibrocystin/polyductin; minus strand). Cytogenetic location: 6p12.2.
Variant type: Indel.
Coding change: c.7393_7404delinsGACA on transcript NM_138694.4 (MANE Select); coding-DNA positions 7393 to 7404, TGGGAACTGATG replaced by GACA.
Protein change: p.Trp2465fs; shifts the reading frame from tryptophan 2465.
Molecular consequence: frameshift variant.
Genome position (GRCh38, 1-based): chr6:51,870,586-51,870,597, CATCAGTTCCCA replaced by TGTC on the plus strand (TGGGAACTGATG replaced by GACA on the coding strand, the reverse complement: PKHD1 is on the minus strand). VCF-style: chr6-51870586-CATCAGTTCCCA-TGTC. GRCh37 (hg19) VCF-style: chr6-51735384-CATCAGTTCCCA-TGTC.
Other names: c.7393_7404delinsGACA, p.Trp2465fs (NM_170724.3); short protein forms W2465fs.
Identifiers: ClinVar variation 1724539 (VCV001724539.2), dbSNP rs2536020645, ClinGen allele CA2580075499.

ClinVar aggregate classification (germline): Likely pathogenic (1 of 4 stars; one submission).

Conditions:
Polycystic kidney disease 4 (PKD4). Also called: POLYCYSTIC KIDNEY AND HEPATIC DISEASE 1; POLYCYSTIC KIDNEY DISEASE, INFANTILE, TYPE I; POLYCYSTIC KIDNEY DISEASE 4 WITH OR WITHOUT POLYCYSTIC LIVER DISEASE; PKD3; Autosomal Recessive Polycystic Kidney Disease – PKHD1. Identifiers: MedGen C4540575, MONDO:0033004, OMIM 263200.

Submission:

Myriad Genetics, Inc.
Classification: Likely pathogenic for Polycystic kidney disease 4. Last evaluated: 2022-02-19. Review status: criteria provided, single submitter. Criteria: Myriad Women's Health Autosomal Recessive and X-Linked Classification Criteria (2021). Collection method: clinical testing. Allele origin: unknown.
Comment: NM_138694.3(PKHD1):c.7393_7404del12ins4(W2465Dfs*4) is expected to be pathogenic in the context of autosomal recessive polycystic kidney disease, PKHD1-related. This variant is predicted to lead to an abnormal or absent protein product due to the creation of a premature termination codon in PKHD1, a gene where loss-of-function variants are known to be pathogenic. Please note: this variant was assessed in the context of healthy population screening.